The following is an entry in ClinVar:

ClinVar aggregate classification (germline): Uncertain significance (1 of 4 stars; one submission).

gnomAD v4.1: 7 of 1,613,412 alleles (0.00043%); highest among the groups gnomAD compares: African/African-American, 0.0094%; no homozygotes.

Submission:

Ambry Genetics
Classification: Uncertain significance. Last evaluated: 2026-04-14. Review status: criteria provided, single submitter. Criteria: Ambry Variant Classification Scheme 2023. Collection method: clinical testing. Allele origin: germline.
Comment: The c.2810T>C (p.I937T) alteration is located in exon 17 (coding exon 17) of the BDP1 gene. This alteration results from a T to C substitution at nucleotide position 2810, causing the isoleucine (I) at amino acid position 937 to be replaced by a threonine (T). Based on data from gnomAD, the C allele has an overall frequency of 0.003% (1/31290) total alleles studied. The highest observed frequency was 0.012% (1/8668) of African alleles. Based on insufficient or conflicting evidence, the clinical significance of this alteration remains unclear.

NM_018429.3(BDP1):c.2810T>C (p.Ile937Thr)

Gene: BDP1 (BDP1 general transcription factor IIIB subunit; plus strand). Cytogenetic location: 5q13.2.
Variant type: single nucleotide variant.
Coding change: c.2810T>C on transcript NM_018429.3 (MANE Select); coding-DNA position 2810, T replaced by C.
Protein change: p.Ile937Thr; replaces isoleucine 937 with threonine.
Molecular consequence: missense variant.
Genome position (GRCh38, 1-based): chr5:71,509,902, T>C. VCF-style: chr5-71509902-T-C. GRCh37 (hg19) VCF-style: chr5-70805729-T-C.
Other names: short protein forms I937T.
Identifiers: ClinVar variation 4867441 (VCV004867441.1).